The following is an entry in ClinVar:

NM_003380.5(VIM):c.538G>A (p.Glu180Lys)

Genes: VIM (vimentin; plus strand), VIM-AS1 (VIM antisense RNA 1; minus strand). Cytogenetic location: 10p13.
Variant type: single nucleotide variant.
Coding change: c.538G>A on transcript NM_003380.5 (MANE Select); coding-DNA position 538, G replaced by A.
Protein change: p.Glu180Lys; replaces glutamic acid 180 with lysine.
Molecular consequence: missense variant. On other transcripts: non-coding transcript variant (1).
Genome position (GRCh38, 1-based): chr10:17,229,960, G>A. VCF-style: chr10-17229960-G-A. GRCh37 (hg19) VCF-style: chr10-17271959-G-A.
Other names: short protein forms E180K.
Identifiers: ClinVar variation 4807145 (VCV004807145.1).

ClinVar aggregate classification (germline): Uncertain significance (1 of 4 stars; one submission).

Conditions:
Cataract 30 (CTRCT30). Also called: CATARACT 30, PULVERULENT. Identifiers: Orphanet 91492, Orphanet 98984, Orphanet 98992, MedGen C3805411, MONDO:0007286, OMIM 116300.

gnomAD v4.1: 74 of 1,612,334 alleles (0.0046%); highest among the groups gnomAD compares: Non-Finnish European, 0.0058%; no homozygotes.

Submission:

Labcorp Genetics (formerly Invitae), Labcorp
Classification: Uncertain significance for Cataract 30. Last evaluated: 2025-05-02. Review status: criteria provided, single submitter. Criteria: Invitae Variant Classification Sherloc (09022015). Collection method: clinical testing. Allele origin: germline.
Comment: This sequence change replaces glutamic acid, which is acidic and polar, with lysine, which is basic and polar, at codon 180 of the VIM protein (p.Glu180Lys). This variant is present in population databases (no rsID available, gnomAD 0.003%). This variant has not been reported in the literature in individuals affected with VIM-related conditions. Invitae Evidence Modeling of protein sequence and biophysical properties (such as structural, functional, and spatial information, amino acid conservation, physicochemical variation, residue mobility, and thermodynamic stability) indicates that this missense variant is not expected to disrupt VIM protein function with a negative predictive value of 80%. Experimental studies have shown that this missense change affects VIM function (PMID: 32081916). In summary, the available evidence is currently insufficient to determine the role of this variant in disease. Therefore, it has been classified as a Variant of Uncertain Significance.

Literature cited by the submitters: PubMed 32081916.